The following is an entry in ClinVar:

ClinVar aggregate classification (germline): Uncertain significance (1 of 4 stars; one submission).

Allele frequency attached by ClinVar (database versions not stated): gnomAD exomes 0.00001.
gnomAD v4.1: 10 of 1,593,748 alleles (0.00063%); highest among the groups gnomAD compares: Non-Finnish European, 0.00085%; no homozygotes.

Submission:

Labcorp Genetics (formerly Invitae), Labcorp
Classification: Uncertain significance. Last evaluated: 2022-08-09. Review status: criteria provided, single submitter. Criteria: Invitae Variant Classification Sherloc (09022015). Collection method: clinical testing. Allele origin: germline.
Comment: In summary, the available evidence is currently insufficient to determine the role of this variant in disease. Therefore, it has been classified as a Variant of Uncertain Significance. Algorithms developed to predict the effect of missense changes on protein structure and function are either unavailable or do not agree on the potential impact of this missense change (SIFT: "Tolerated"; PolyPhen-2: "Probably Damaging"; Align-GVGD: "Class C0"). This variant has not been reported in the literature in individuals affected with LRRK1-related conditions. This variant is not present in population databases (gnomAD no frequency). This sequence change replaces arginine, which is basic and polar, with lysine, which is basic and polar, at codon 1436 of the LRRK1 protein (p.Arg1436Lys).

NM_024652.6(LRRK1):c.4307G>A (p.Arg1436Lys)

Genes: LRRK1 (leucine rich repeat kinase 1; plus strand), LRRK1-AS1 (LRRK1 antisense RNA 1; minus strand). Cytogenetic location: 15q26.3.
Variant type: single nucleotide variant.
Coding change: c.4307G>A on transcript NM_024652.6 (MANE Select); coding-DNA position 4307, G replaced by A.
Protein change: p.Arg1436Lys; replaces arginine 1436 with lysine.
Molecular consequence: missense variant.
Genome position (GRCh38, 1-based): chr15:101,055,198, G>A. VCF-style: chr15-101055198-G-A. GRCh37 (hg19) VCF-style: chr15-101595403-G-A.
Other names: short protein forms R1436K.
Identifiers: ClinVar variation 1715790 (VCV001715790.5), dbSNP rs2505469683, ClinGen allele CA393954425.
Genomic context (GRCh38, chr15:101,055,198, plus strand): 5'-CATTCCATGAGGGCGCCCTAGGCGTGGAGGGCACTCCTGGCTACCAGGCCCCAGAGATCA[G>A]GCCTCGCATTGTATATGATGAGAAGGTACGTGCCTGGATCCCCTGGCCCAGCCCCACAGT-3'
Protein context (NP_078928.3, residues 1426-1446): GTPGYQAPEI[Arg1436Lys]PRIVYDEKVD